The following is an entry in ClinVar:

NM_182706.5(SCRIB):c.3591C>T (p.Asp1197=)

Gene: SCRIB (scribble planar cell polarity protein; minus strand). Cytogenetic location: 8q24.3.
Variant type: single nucleotide variant.
Coding change: c.3591C>T on transcript NM_182706.5 (MANE Select); coding-DNA position 3591, C replaced by T.
Protein change: p.Asp1197=; no amino-acid change (aspartic acid 1197 retained).
Molecular consequence: synonymous variant.
Genome position (GRCh38, 1-based): chr8:143,803,395, G>A on the plus strand (C>T on the coding strand, the complement: SCRIB is on the minus strand). VCF-style: chr8-143803395-G-A. GRCh37 (hg19) VCF-style: chr8-144885565-G-A.
Other names: c.3591C>T, p.Asp1197= (NM_015356.5).
Identifiers: ClinVar variation 3354443 (VCV003354443.1).

ClinVar aggregate classification (germline): Likely benign (0 of 4 stars; one submission).

Conditions:
SCRIB-related disorder. Also called: SCRIB-related condition.

gnomAD v4.1: 39 of 1,579,888 alleles (0.0025%); highest among the groups gnomAD compares: South Asian, 0.022%; no homozygotes.

Submission:

PreventionGenetics, part of Exact Sciences
Classification: Likely benign for SCRIB-related condition. Last evaluated: 2019-03-21. Review status: no assertion criteria provided. Collection method: clinical testing. Allele origin: germline.
Comment: This variant is classified as likely benign based on ACMG/AMP sequence variant interpretation guidelines (Richards et al. 2015 PMID: 25741868, with internal and published modifications).